The following is an entry in ClinVar:

ClinVar aggregate classification (germline): Benign/Likely benign. Review status: criteria provided, multiple submitters, no conflicts (2 of 4 stars). 4 submissions from 4 submitters: Benign (1); Likely benign (2). 1 of the submissions does not count toward it. Last evaluated 2026-04-01.

Conditions:
LMNB1-related disorder. Also called: LMNB1-Related Disorders; LMNB1-related condition.

Allele frequency attached by ClinVar (database versions not stated): gnomAD exomes 0.00019; gnomAD 0.00095 and 0.00100; TOPMed 0.00110; ExAC 0.00115; 1000 Genomes Project 0.00180; 1000 Genomes Project 30x 0.00250.
gnomAD v4.1: 296 of 1,413,680 alleles (0.021%); highest among the groups gnomAD compares: African/African-American, 0.37%; no homozygotes.

Submissions (4):

CeGaT Center for Human Genetics Tuebingen
Classification: Likely benign. Last evaluated: 2026-04-01. Review status: criteria provided, single submitter. Criteria: CeGaT Center For Human Genetics Tuebingen Variant Classification Criteria Version 2. Collection method: clinical testing. Allele origin: germline. Affected: yes. Observed: 1 variant allele.
Comment: LMNB1: BS1

Labcorp Genetics (formerly Invitae), Labcorp
Classification: Benign. Last evaluated: 2024-11-16. Review status: criteria provided, single submitter. Criteria: Invitae Variant Classification Sherloc (09022015). Collection method: clinical testing. Allele origin: germline.

Blueprint Genetics
Classification: Likely benign. Last evaluated: 2024-11-12. Review status: criteria provided, single submitter. Criteria: ACMG Guidelines, 2015. Collection method: clinical testing. Allele origin: germline.

PreventionGenetics, part of Exact Sciences
Classification: Likely benign for LMNB1-related condition. Last evaluated: 2019-08-14. Review status: no assertion criteria provided. Collection method: clinical testing. Allele origin: germline. Not counted in ClinVar's aggregate classification.
Comment: This variant is classified as likely benign based on ACMG/AMP sequence variant interpretation guidelines (Richards et al. 2015 PMID: 25741868, with internal and published modifications).

NM_005573.4(LMNB1):c.29G>T (p.Arg10Leu)

Gene: LMNB1 (lamin B1; plus strand). Cytogenetic location: 5q23.2.
Variant type: single nucleotide variant.
Coding change: c.29G>T on transcript NM_005573.4 (MANE Select); coding-DNA position 29, G replaced by T.
Protein change: p.Arg10Leu; replaces arginine 10 with leucine.
Molecular consequence: missense variant. On other transcripts: non-coding transcript variant (1), intron variant (1).
Genome position (GRCh38, 1-based): chr5:126,777,537, G>T. VCF-style: chr5-126777537-G-T. GRCh37 (hg19) VCF-style: chr5-126113229-G-T.
Other names: c.-272+293G>T (NM_001198557.2); c.29G>T (NM_005573.3); short protein forms R10L.
Identifiers: ClinVar variation 1563912 (VCV001563912.13), dbSNP rs540123967, ClinGen allele CA3390408.
Genomic context (GRCh38, chr5:126,777,537, plus strand): 5'-GCCTCGCCGCCCCGCTGTCTCCGCCGCCCGCCATGGCGACTGCGACCCCCGTGCCGCCGC[G>T]GATGGGCAGCCGCGCTGGCGGCCCCACCACGCCGCTGAGCCCCACGCGCCTGTCGCGGCT-3'
Protein context (NP_005564.1, residues 1-20): MATATPVPP[Arg10Leu]MGSRAGGPTT